The following is an entry in ClinVar:

ClinVar aggregate classification (germline): Uncertain significance (1 of 4 stars; one submission).

Allele frequency attached by ClinVar (database versions not stated): ExAC 0.00001; gnomAD 0.00002; TOPMed 0.00004.
gnomAD v4.1: 63 of 1,613,918 alleles (0.0039%); highest among the groups gnomAD compares: African/African-American, 0.0093%; no homozygotes.

Submission:

Labcorp Genetics (formerly Invitae), Labcorp
Classification: Uncertain significance. Last evaluated: 2024-02-17. Review status: criteria provided, single submitter. Criteria: Invitae Variant Classification Sherloc (09022015). Collection method: clinical testing. Allele origin: germline.
Comment: This sequence change replaces arginine, which is basic and polar, with histidine, which is basic and polar, at codon 2190 of the FAT4 protein (p.Arg2190His). This variant is present in population databases (rs182837803, gnomAD 0.008%). This variant has not been reported in the literature in individuals affected with FAT4-related conditions. ClinVar contains an entry for this variant (Variation ID: 2180628). Advanced modeling of protein sequence and biophysical properties (such as structural, functional, and spatial information, amino acid conservation, physicochemical variation, residue mobility, and thermodynamic stability) performed at Invitae indicates that this missense variant is expected to disrupt FAT4 protein function with a positive predictive value of 80%. In summary, the available evidence is currently insufficient to determine the role of this variant in disease. Therefore, it has been classified as a Variant of Uncertain Significance.

NM_001291303.3(FAT4):c.6569G>A (p.Arg2190His)

Gene: FAT4 (FAT atypical cadherin 4; plus strand). Cytogenetic location: 4q28.1.
Variant type: single nucleotide variant.
Coding change: c.6569G>A on transcript NM_001291303.3 (MANE Select); coding-DNA position 6569, G replaced by A.
Protein change: p.Arg2190His; replaces arginine 2190 with histidine.
Molecular consequence: missense variant.
Genome position (GRCh38, 1-based): chr4:125,415,532, G>A. VCF-style: chr4-125415532-G-A. GRCh37 (hg19) VCF-style: chr4-126336687-G-A.
Other names: c.6569G>A, p.Arg2190His (NM_001291285.3, NM_024582.6); short protein forms R2190H.
Identifiers: ClinVar variation 2180628 (VCV002180628.3), dbSNP rs182837803, ClinGen allele CA3072936.